The following is an entry in ClinVar:

ClinVar aggregate classification (germline): Uncertain significance (1 of 4 stars; one submission).

Submission:

Labcorp Genetics (formerly Invitae), Labcorp
Classification: Uncertain significance. Last evaluated: 2021-08-15. Review status: criteria provided, single submitter. Criteria: Invitae Variant Classification Sherloc (09022015). Collection method: clinical testing. Allele origin: germline.
Comment: This sequence change replaces leucine with proline at codon 673 of the SLC4A1 protein (p.Leu673Pro). The leucine residue is highly conserved and there is a moderate physicochemical difference between leucine and proline. This variant is not present in population databases (ExAC no frequency). This variant has not been reported in the literature in individuals affected with SLC4A1-related conditions. Algorithms developed to predict the effect of missense changes on protein structure and function are either unavailable or do not agree on the potential impact of this missense change (SIFT: "Deleterious"; PolyPhen-2: "Probably Damaging"; Align-GVGD: "Class C0"). In summary, the available evidence is currently insufficient to determine the role of this variant in disease. Therefore, it has been classified as a Variant of Uncertain Significance.

NM_000342.4(SLC4A1):c.2018T>C (p.Leu673Pro)

Gene: SLC4A1 (solute carrier family 4 member 1 (Diego blood group); minus strand). Cytogenetic location: 17q21.31.
Variant type: single nucleotide variant.
Coding change: c.2018T>C on transcript NM_000342.4 (MANE Select); coding-DNA position 2018, T replaced by C.
Protein change: p.Leu673Pro; replaces leucine 673 with proline.
Molecular consequence: missense variant.
Genome position (GRCh38, 1-based): chr17:44,254,535, A>G on the plus strand (T>C on the coding strand, the complement: SLC4A1 is on the minus strand). VCF-style: chr17-44254535-A-G. GRCh37 (hg19) VCF-style: chr17-42331903-A-G.
Other names: short protein forms L673P.
Identifiers: ClinVar variation 1346375 (VCV001346375.6), dbSNP rs2144604879, ClinGen allele CA399782665.